The following is an entry in ClinVar:

ClinVar aggregate classification (germline): Uncertain significance (1 of 4 stars; one submission).

Conditions:
Severe combined immunodeficiency due to DCLRE1C deficiency (RS-SCID). Also called: SCID, AUTOSOMAL RECESSIVE, T CELL-NEGATIVE, B CELL-NEGATIVE, NK CELL-POSITIVE, WITH SENSITIVITY TO IONIZING RADIATION. Identifiers: Orphanet 275, MedGen C1865371, MONDO:0011225, OMIM 602450.

Submission:

Labcorp Genetics (formerly Invitae), Labcorp
Classification: Uncertain significance for Athabaskan severe combined immunodeficiency. Last evaluated: 2020-12-10. Review status: criteria provided, single submitter. Criteria: Invitae Variant Classification Sherloc (09022015). Collection method: clinical testing. Allele origin: germline.
Comment: This sequence change replaces lysine with glutamine at codon 683 of the DCLRE1C protein (p.Lys683Gln). The lysine residue is weakly conserved and there is a small physicochemical difference between lysine and glutamine. This variant is not present in population databases (ExAC no frequency). This variant has not been reported in the literature in individuals with DCLRE1C-related conditions. Algorithms developed to predict the effect of missense changes on protein structure and function (SIFT, PolyPhen-2, Align-GVGD) all suggest that this variant is likely to be tolerated, but these predictions have not been confirmed by published functional studies and their clinical significance is uncertain. In summary, the available evidence is currently insufficient to determine the role of this variant in disease. Therefore, it has been classified as a Variant of Uncertain Significance.

NM_001033855.3(DCLRE1C):c.2047A>C (p.Lys683Gln)

Gene: DCLRE1C (DNA cross-link repair 1C; minus strand). Cytogenetic location: 10p13.
Variant type: single nucleotide variant.
Coding change: c.2047A>C on transcript NM_001033855.3 (MANE Select); coding-DNA position 2047, A replaced by C.
Protein change: p.Lys683Gln; replaces lysine 683 with glutamine.
Molecular consequence: missense variant. On other transcripts: non-coding transcript variant (3), intron variant (3).
Genome position (GRCh38, 1-based): chr10:14,908,440, T>G on the plus strand (A>C on the coding strand, the complement: DCLRE1C is on the minus strand). VCF-style: chr10-14908440-T-G. GRCh37 (hg19) VCF-style: chr10-14950439-T-G.
Other names: c.1687A>C, p.Lys563Gln (NM_001033857.3, NM_001033858.3, NM_001289077.2 and 1 more transcripts); c.1702A>C, p.Lys568Gln (NM_001289076.2, NM_001289078.2, NM_022487.4); c.1437+265A>C (NM_001350966.2); c.1782+265A>C (NM_001350965.2); c.1422+265A>C (NM_001350967.2); short protein forms K683Q, K563Q, K568Q.
Identifiers: ClinVar variation 1492835 (VCV001492835.8), dbSNP rs2131767744, ClinGen allele CA376073918.